The following is an entry in ClinVar:

NM_001165963.4(SCN1A):c.4133_4135del (p.Asn1378del)

Genes: SCN1A (sodium voltage-gated channel alpha subunit 1; minus strand), LOC102724058 (uncharacterized LOC102724058; plus strand). Cytogenetic location: 2q24.3.
Variant type: Deletion.
Coding change: c.4133_4135del on transcript NM_001165963.4 (MANE Select); coding-DNA positions 4133 to 4135, 3 bases deleted (ACA; older notation c.4133_4135delACA).
Protein change: p.Asn1378del; deletes asparagine 1378.
Molecular consequence: inframe deletion. On other transcripts: non-coding transcript variant (1).
Genome position (GRCh38, 1-based): chr2:166,002,621-166,002,623, TGT deleted on the plus strand (ACA on the coding strand, the reverse complement: SCN1A is on the minus strand); deleting any 3 consecutive bases within chr2:166,002,621-166,002,624 gives the same sequence; the c. name uses the placement nearest the transcript's 3' end. VCF-style (leftmost placement, unchanged base first): chr2-166002620-GTGT-G. GRCh37 (hg19) VCF-style: chr2-166859130-GTGT-G.
Other names: c.4049_4051del, p.Asn1350del (NM_001165964.3, NM_001353957.2, NM_001353958.2); c.4133_4135del, p.Asn1378del (NM_001202435.3, NM_001353948.2); c.4100_4102del, p.Asn1367del (NM_001353949.2, NM_001353950.2, NM_001353951.2 and 2 more transcripts); c.4097_4099del, p.Asn1366del (NM_001353954.2, NM_001353955.2); c.4046_4048del, p.Asn1349del (NM_001353960.2); c.1691_1693del, p.Asn564del (NM_001353961.2); short protein forms N1349del, N564del, N1367del, N1350del, N1366del, N1378del.
Identifiers: ClinVar variation 4721026 (VCV004721026.1).

ClinVar aggregate classification (germline): Pathogenic (1 of 4 stars; one submission).

Conditions:
Early-infantile DEE. Also called: Early infantile epileptic encephalopathy with suppression bursts; Early infantile epileptic encephalopathy; Ohtahara syndrome. Identifiers: Orphanet 1934, MedGen C0393706, MONDO:0800491.

Submission:

Labcorp Genetics (formerly Invitae), Labcorp
Classification: Pathogenic for Early-infantile DEE. Last evaluated: 2025-06-09. Review status: criteria provided, single submitter. Criteria: Invitae Variant Classification Sherloc (09022015). Collection method: clinical testing. Allele origin: germline.
Comment: This variant, c.4133_4135del, results in the deletion of 1 amino acid(s) of the SCN1A protein (p.Asn1378del), but otherwise preserves the integrity of the reading frame. This variant is not present in population databases (gnomAD no frequency). This variant has not been reported in the literature in individuals affected with SCN1A-related conditions. Experimental studies and prediction algorithms are not available or were not evaluated, and the functional significance of this variant is currently unknown. This variant disrupts a region of the SCN1A protein in which other variant(s) (p.Asn1378Thr) have been determined to be pathogenic (PMID: 21248271, 29141279). This suggests that this is a clinically significant region of the protein, and that variants that disrupt it are likely to be disease-causing. For these reasons, this variant has been classified as Pathogenic.

Literature cited by the submitters: PubMed 21248271; PubMed 29141279.